The following is an entry in ClinVar:

NM_001244008.2(KIF1A):c.2676C>G (p.Ser892Arg)

Gene: KIF1A (kinesin family member 1A; minus strand). Cytogenetic location: 2q37.3.
Variant type: single nucleotide variant.
Coding change: c.2676C>G on transcript NM_001244008.2 (MANE Select); coding-DNA position 2676, C replaced by G.
Protein change: p.Ser892Arg; replaces serine 892 with arginine.
Molecular consequence: missense variant. On other transcripts: intron variant (18).
Genome position (GRCh38, 1-based): chr2:240,757,501, G>C on the plus strand (C>G on the coding strand, the complement: KIF1A is on the minus strand). VCF-style: chr2-240757501-G-C. GRCh37 (hg19) VCF-style: chr2-241696918-G-C.
Other names: c.2751C>G, p.Ser917Arg (NM_001379631.1); c.2625C>G, p.Ser875Arg (NM_001379632.1); c.2649C>G, p.Ser883Arg (NM_001379633.1, NM_001379642.1, NM_001379645.1); c.2555+859C>G (NM_001379653.1, NM_001379650.1, NM_001379640.1 and 6 more transcripts); c.2657+859C>G (NM_001379635.1, NM_001330290.2, NM_001379646.1 and 1 more transcripts); c.2630+859C>G (NM_001379637.1, NM_001379648.1); c.2582+859C>G (NM_001320705.2, NM_001379638.1, NM_001330289.2); short protein forms S875R, S883R, S892R, S917R.
Identifiers: ClinVar variation 3392934 (VCV003392934.1).

ClinVar aggregate classification (germline): Uncertain significance (1 of 4 stars; one submission).

Submission:

GeneDx
Classification: Uncertain significance. Last evaluated: 2024-06-26. Review status: criteria provided, single submitter. Criteria: GeneDx Variant Classification Process June 2021. Collection method: clinical testing. Allele origin: germline. Affected: yes.
Comment: Not observed at significant frequency in large population cohorts (gnomAD); In silico analysis indicates that this missense variant does not alter protein structure/function; Has not been previously published as pathogenic or benign to our knowledge; Reported using an alternate transcript of the gene